The following is an entry in ClinVar:

ClinVar aggregate classification (germline): Conflicting classifications of pathogenicity. Review status: criteria provided, conflicting classifications (1 of 4 stars). 9 submissions from 9 submitters: Uncertain significance (4); Likely benign (4). 1 of the submissions does not count toward it. Last evaluated 2026-05-04.

Conditions:
Cardiovascular phenotype. Identifiers: MedGen CN230736.
ACTN2-related disorder. Also called: ACTN2-related disorders; ACTN2 related condition.
Primary familial hypertrophic cardiomyopathy (HCM). Identifiers: Orphanet 99739, MedGen C0949658, MeSH D024741, MONDO:0024573. Inheritance: Various modes of inheritance.
Dilated cardiomyopathy 1AA (CMD1AA). Also called: CARDIOMYOPATHY, DILATED, 1AA, WITH OR WITHOUT LEFT VENTRICULAR NONCOMPACTION; CARDIOMYOPATHY, FAMILIAL HYPERTROPHIC, 23, WITH OR WITHOUT LEFT VENTRICULAR NONCOMPACTION; Cardiomyopathy, dilated, 1AA, with or without LVNC. Identifiers: Orphanet 154, MedGen C2677338, MONDO:0012808, OMIM 612158.

Allele frequency attached by ClinVar (database versions not stated): TOPMed 0.00006; gnomAD 0.00007 and 0.00009; ExAC 0.00010; gnomAD exomes 0.00014; ESP Exome Variant Server 0.00015.
gnomAD v4.1: 103 of 1,613,946 alleles (0.0064%); highest among the groups gnomAD compares: South Asian, 0.0022%; no homozygotes.

Submissions (9):

Women's Health and Genetics/Laboratory Corporation of America, LabCorp
Classification: Likely benign. Last evaluated: 2026-05-04. Review status: criteria provided, single submitter. Criteria: LabCorp Variant Classification Summary - May 2015. Collection method: clinical testing. Allele origin: germline.
Comment: Variant summary: ACTN2 c.2659G>A (p.Ala887Thr) results in a non-conservative amino acid change in the encoded protein sequence. Algorithms developed to predict the effect of missense changes on protein structure and function are either unavailable or do not agree on the potential impact of this missense change. The variant allele was found at a frequency of 0.00014 in 251174 control chromosomes (gnomAD). The observed variant frequency exceeds the estimated maximal expected allele frequency for disease-causing variants in ACTN2. To our knowledge, no experimental evidence demonstrating its impact on protein function has been reported. ClinVar contains an entry for this variant (Variation ID: 191601). Based on the evidence outlined above, the variant was classified as likely benign.

Labcorp Genetics (formerly Invitae), Labcorp
Classification: Likely benign for Primary familial hypertrophic cardiomyopathy; Dilated cardiomyopathy 1AA. Last evaluated: 2026-01-19. Review status: criteria provided, single submitter. Criteria: Invitae Variant Classification Sherloc (09022015). Collection method: clinical testing. Allele origin: germline.

GeneDx
Classification: Likely benign. Last evaluated: 2022-06-03. Review status: criteria provided, single submitter. Criteria: GeneDx Variant Classification Process June 2021. Collection method: clinical testing. Allele origin: germline. Affected: yes.
Comment: See Variant Classification Assertion Criteria.

Ambry Genetics
Classification: Likely benign for Cardiovascular phenotype. Last evaluated: 2018-03-19. Review status: criteria provided, single submitter. Criteria: Ambry Variant Classification Scheme 2023. Collection method: clinical testing. Allele origin: germline.

Illumina Laboratory Services, Illumina
Classification: Uncertain significance for Dilated cardiomyopathy 1AA. Last evaluated: 2018-01-12. Review status: criteria provided, single submitter. Criteria: ICSL Variant Classification Criteria 13 December 2019. Collection method: clinical testing. Allele origin: germline.

Stanford Center for Inherited Cardiovascular Disease, Stanford University
Classification: Uncertain significance. Last evaluated: 2015-04-08. Review status: criteria provided, single submitter. Criteria: ACMG Guidelines, 2015. Collection method: provider interpretation. Allele origin: germline.

Eurofins Ntd Llc (ga)
Classification: Uncertain significance. Last evaluated: 2015-01-09. Review status: criteria provided, single submitter. Criteria: EGL Classification Definitions 2015. Collection method: clinical testing. Allele origin: germline. Observed: 1 variant allele, 1 heterozygote.

Biesecker Lab/Clinical Genomics Section, National Institutes of Health
Classification: Uncertain significance. Last evaluated: 2013-06-24. Review status: criteria provided, single submitter. Criteria: Ng et al. (Circ Cardiovasc Genet. 2013). Collection method: research. Allele origin: unknown. Observed: 1 variant allele. Study: ClinSeq.
Comment: The study set was not selected for affection status in relation to any cancer. Pathogenicity categories were based on literature curation. See Pubmed ID:23861362 for details.

Medical sequencing

PreventionGenetics, part of Exact Sciences
Classification: Likely benign for ACTN2-related condition. Last evaluated: 2020-08-21. Review status: no assertion criteria provided. Collection method: clinical testing. Allele origin: germline. Not counted in ClinVar's aggregate classification.
Comment: This variant is classified as likely benign based on ACMG/AMP sequence variant interpretation guidelines (Richards et al. 2015 PMID: 25741868, with internal and published modifications).

Literature cited by the submitters: PubMed 23861362 (cited by Ambry Genetics).

NM_001103.4(ACTN2):c.2659G>A (p.Ala887Thr)

Gene: ACTN2 (actinin alpha 2; plus strand). Cytogenetic location: 1q43.
Variant type: single nucleotide variant.
Coding change: c.2659G>A on transcript NM_001103.4 (MANE Select); coding-DNA position 2659, G replaced by A.
Protein change: p.Ala887Thr; replaces alanine 887 with threonine.
Molecular consequence: missense variant.
Genome position (GRCh38, 1-based): chr1:236,762,593, G>A. VCF-style: chr1-236762593-G-A. GRCh37 (hg19) VCF-style: chr1-236925893-G-A.
Other names: p.A887T:GCA>ACA; c.2659G>A, p.Ala887Thr (NM_001278343.2); c.2035G>A, p.Ala679Thr (NM_001278344.2); short protein forms A887T, A679T.
Identifiers: ClinVar variation 191601 (VCV000191601.30), dbSNP rs148972050, ClinGen allele CA237029.